The following is an entry in ClinVar:

ClinVar aggregate classification (germline): Uncertain significance (0 of 4 stars; one submission).

Conditions:
MID1-related disorder. Also called: MID1-related condition.

gnomAD v4.1: 5 of 1,153,614 alleles (0.00043%); highest among the groups gnomAD compares: Admixed American, 0.0052%; no homozygotes.

Submission:

PreventionGenetics, part of Exact Sciences
Classification: Uncertain significance for MID1-related condition. Last evaluated: 2024-07-25. Review status: no assertion criteria provided. Collection method: clinical testing. Allele origin: germline.
Comment: The MID1 c.898G>A variant is predicted to result in the amino acid substitution p.Asp300Asn. To our knowledge, this variant has not been reported in the literature. This variant is reported in 0.0052% of alleles in individuals of Latino descent in gnomAD. At this time, the clinical significance of this variant is uncertain due to the absence of conclusive functional and genetic evidence.

NM_000381.4(MID1):c.757-5727G>A

Gene: MID1 (midline 1; minus strand). Cytogenetic location: Xp22.2.
Variant type: single nucleotide variant.
Coding change: c.757-5727G>A on transcript NM_000381.4 (MANE Select); 5727 bases into the intron before coding-DNA position 757, G replaced by A.
Molecular consequence: intron variant. On other transcripts: missense variant (1).
Genome position (GRCh38, 1-based): chrX:10,501,418, C>T on the plus strand (G>A on the coding strand, the complement: MID1 is on the minus strand). VCF-style: chrX-10501418-C-T. GRCh37 (hg19) VCF-style: chrX-10469458-C-T.
Other names: c.898G>A, p.Asp300Asn (NM_001193278.1); c.757-5727G>A (NM_033290.4, NM_001098624.2, NM_001347733.2 and 2 more transcripts); c.643-5727G>A (NM_033289.2, NM_001193280.1); short protein forms D300N.
Identifiers: ClinVar variation 3345401 (VCV003345401.1).